The following is an entry in ClinVar:

NM_206933.4(USH2A):c.3446A>T (p.Glu1149Val)

Genes: USH2A (usherin; minus strand), USH2A-AS1 (USH2A antisense RNA 1; plus strand). Cytogenetic location: 1q41.
Variant type: single nucleotide variant.
Coding change: c.3446A>T on transcript NM_206933.4 (MANE Select); coding-DNA position 3446, A replaced by T.
Protein change: p.Glu1149Val; replaces glutamic acid 1149 with valine.
Molecular consequence: missense variant.
Genome position (GRCh38, 1-based): chr1:216,199,992, T>A on the plus strand (A>T on the coding strand, the complement: USH2A is on the minus strand). VCF-style: chr1-216199992-T-A. GRCh37 (hg19) VCF-style: chr1-216373334-T-A.
Other names: c.3446A>T, p.Glu1149Val (NM_007123.6); c.3446A>T (NM_206933.2); short protein forms E1149V.
Identifiers: ClinVar variation 1008968 (VCV001008968.8), dbSNP rs1318186049, ClinGen allele CA344868613.
Genomic context (GRCh38, chr1:216,199,992, plus strand): 5'-CAGGTAAGTGTCACAGAGTCTGAGCCAATAGGAATGATATAACTTAAAGTCAAGTTTCCC[T>A]CTGGGACCCCTGGTTTTGTCTTGTAAGTGACAGCTACACTCCTTGTTGAACCATGCACAT-3'
Protein context (NP_996816.3, residues 1139-1159): VTYKTKPGVP[Glu1149Val]GNLTLSYIIP

ClinVar aggregate classification (germline): Uncertain significance. Review status: criteria provided, multiple submitters, no conflicts (2 of 4 stars). 3 submissions from 3 submitters: Uncertain significance (2). 1 of the submissions does not count toward it. Last evaluated 2024-10-29.

Conditions:
Usher syndrome type 2A. Also called: RETINAL DISEASE IN USHER SYNDROME TYPE IIA, MODIFIER OF; USHER SYNDROME, TYPE IIA. Identifiers: Orphanet 231178, Orphanet 886, MedGen C1848634, MONDO:0010169, OMIM 276901.
Inborn genetic diseases. Identifiers: MedGen C0950123, MeSH D030342.

Allele frequency attached by ClinVar (database versions not stated): gnomAD exomes below 0.00001; gnomAD 0.00001; TOPMed 0.00001.
gnomAD v4.1: 11 of 1,614,020 alleles (0.00068%); highest among the groups gnomAD compares: African/African-American, 0.0013%; no homozygotes.

Submissions (3):

Ambry Genetics
Classification: Uncertain significance for Inborn genetic diseases. Last evaluated: 2024-10-29. Review status: criteria provided, single submitter. Criteria: Ambry Variant Classification Scheme 2023. Collection method: clinical testing. Allele origin: germline.

Labcorp Genetics (formerly Invitae), Labcorp
Classification: Uncertain significance. Last evaluated: 2022-05-27. Review status: criteria provided, single submitter. Criteria: Invitae Variant Classification Sherloc (09022015). Collection method: clinical testing. Allele origin: germline.
Comment: This sequence change replaces glutamic acid, which is acidic and polar, with valine, which is neutral and non-polar, at codon 1149 of the USH2A protein (p.Glu1149Val). This variant is present in population databases (no rsID available, gnomAD 0.004%). This variant has not been reported in the literature in individuals affected with USH2A-related conditions. ClinVar contains an entry for this variant (Variation ID: 1008968). Algorithms developed to predict the effect of missense changes on protein structure and function output the following: SIFT: "Tolerated"; PolyPhen-2: "Benign"; Align-GVGD: "Class C0". The valine amino acid residue is found in multiple mammalian species, which suggests that this missense change does not adversely affect protein function. In summary, the available evidence is currently insufficient to determine the role of this variant in disease. Therefore, it has been classified as a Variant of Uncertain Significance.

Natera, Inc.
Classification: Uncertain significance for Usher syndrome type 2A. Last evaluated: 2020-03-17. Review status: no assertion criteria provided. Collection method: clinical testing. Allele origin: germline. Not counted in ClinVar's aggregate classification.